The following is an entry in ClinVar:

NM_001035.3(RYR2):c.7477C>G (p.Leu2493Val)

Gene: RYR2 (ryanodine receptor 2; plus strand). Cytogenetic location: 1q43.
Variant type: single nucleotide variant.
Coding change: c.7477C>G on transcript NM_001035.3 (MANE Select); coding-DNA position 7477, C replaced by G.
Protein change: p.Leu2493Val; replaces leucine 2493 with valine.
Molecular consequence: missense variant.
Genome position (GRCh38, 1-based): chr1:237,648,578, C>G. VCF-style: chr1-237648578-C-G. GRCh37 (hg19) VCF-style: chr1-237811878-C-G.
Other names: c.7477C>G, p.Leu2493Val (LRG_402t1); short protein forms L2493V.
Identifiers: ClinVar variation 296732 (VCV000296732.10), dbSNP rs886046273, ClinGen allele CA10609569.

ClinVar aggregate classification (germline): Uncertain significance. Review status: criteria provided, multiple submitters, no conflicts (2 of 4 stars). 5 submissions from 4 submitters: Uncertain significance (5). Last evaluated 2025-12-09.

Conditions:
Cardiovascular phenotype. Identifiers: MedGen CN230736.
Arrhythmogenic right ventricular dysplasia 2. Identifiers: MedGen C1832931.
Cardiomyopathy (CMYO). Also called: Cardiomyopathies. Identifiers: Orphanet 167848, MedGen C0878544, MONDO:0004994, HP:0001638. Inheritance: Various modes of inheritance.
Catecholaminergic polymorphic ventricular tachycardia 1. Also called: VENTRICULAR TACHYCARDIA, CATECHOLAMINERGIC POLYMORPHIC, 1, WITH OR WITHOUT ATRIAL DYSFUNCTION AND/OR DILATED CARDIOMYOPATHY; VENTRICULAR TACHYCARDIA, STRESS-INDUCED POLYMORPHIC 1; RYR2-Related Catecholaminergic Polymorphic Ventricular Tachycardia. Identifiers: Orphanet 3286, MedGen C1631597, MONDO:0011484, OMIM 604772.

Allele frequency attached by ClinVar (database versions not stated): gnomAD exomes 0.00001.
gnomAD v4.1: 7 of 1,610,936 alleles (0.00043%); highest among the groups gnomAD compares: Non-Finnish European, 0.00059%; no homozygotes.

Submissions (5):

Labcorp Genetics (formerly Invitae), Labcorp
Classification: Uncertain significance for Catecholaminergic polymorphic ventricular tachycardia 1. Last evaluated: 2025-12-09. Review status: criteria provided, single submitter. Criteria: Invitae Variant Classification Sherloc (09022015). Collection method: clinical testing. Allele origin: germline.
Comment: This sequence change replaces leucine, which is neutral and non-polar, with valine, which is neutral and non-polar, at codon 2493 of the RYR2 protein (p.Leu2493Val). This variant is not present in population databases (gnomAD no frequency). This variant has not been reported in the literature in individuals affected with RYR2-related conditions. ClinVar contains an entry for this variant (Variation ID: 296732). Invitae Evidence Modeling of protein sequence and biophysical properties (such as structural, functional, and spatial information, amino acid conservation, physicochemical variation, residue mobility, and thermodynamic stability) indicates that this missense variant is expected to disrupt RYR2 protein function with a positive predictive value of 95%. In summary, the available evidence is currently insufficient to determine the role of this variant in disease. Therefore, it has been classified as a Variant of Uncertain Significance.

Color Diagnostics, LLC DBA Color Health
Classification: Uncertain significance for Cardiomyopathy. Last evaluated: 2025-06-29. Review status: criteria provided, single submitter. Criteria: ACMG Guidelines, 2015. Collection method: clinical testing. Allele origin: germline.
Comment: This missense variant replaces leucine with valine at codon 2493 of the RYR2 protein. Computational prediction is inconclusive regarding the impact of this variant on protein structure and function. To our knowledge, functional studies have not been reported for this variant. This variant has not been reported in individuals affected with RYR2-related disorders in the literature. This variant has not been identified in the general population by the Genome Aggregation Database (gnomAD). The available evidence is insufficient to determine the role of this variant in disease conclusively. Therefore, this variant is classified as a Variant of Uncertain Significance.

Ambry Genetics
Classification: Uncertain significance for Cardiovascular phenotype. Last evaluated: 2020-10-14. Review status: criteria provided, single submitter. Criteria: Ambry Variant Classification Scheme 2023. Collection method: clinical testing. Allele origin: germline.
Comment: The p.L2493V variant (also known as c.7477C>G), located in coding exon 49 of the RYR2 gene, results from a C to G substitution at nucleotide position 7477. The leucine at codon 2493 is replaced by valine, an amino acid with highly similar properties. This amino acid position is highly conserved in available vertebrate species. In addition, the in silico prediction for this alteration is inconclusive. Since supporting evidence is limited at this time, the clinical significance of this alteration remains unclear.

Illumina Laboratory Services, Illumina
Classification: Uncertain significance for Catecholaminergic polymorphic ventricular tachycardia 1. Last evaluated: 2018-01-13. Review status: criteria provided, single submitter. Criteria: ICSL Variant Classification Criteria 13 December 2019. Collection method: clinical testing. Allele origin: germline.

Illumina Laboratory Services, Illumina
Classification: Uncertain significance for Catecholaminergic polymorphic ventricular tachycardia 1. Last evaluated: 2018-01-13. Review status: criteria provided, single submitter. Criteria: ICSL Variant Classification Criteria 13 December 2019. Collection method: clinical testing. Allele origin: germline.